The following is an entry in ClinVar:

ClinVar aggregate classification (germline): Pathogenic/Likely pathogenic. Review status: criteria provided, multiple submitters, no conflicts (2 of 4 stars). 3 submissions from 3 submitters: Pathogenic (1); Likely pathogenic (2). Last evaluated 2026-06-26.

Conditions:
SCP2-related disorder. Also called: SCP2-related condition.
Sterol carrier protein 2 deficiency. Also called: Leukoencephalopathy with dystonia and motor neuropathy; Leukoencephalopathy, dystonia, motor neuropathy syndrome. Identifiers: Orphanet 163684, MedGen C3150990, MONDO:0013391, OMIM 613724.

Allele frequency attached by ClinVar (database versions not stated): TOPMed 0.00007; gnomAD 0.00008 and 0.00009; gnomAD exomes 0.00010; ExAC 0.00013; ESP Exome Variant Server 0.00015.
gnomAD v4.1: 115 of 1,610,108 alleles (0.0071%); highest among the groups gnomAD compares: Non-Finnish European, 0.0072%; no homozygotes.

Submissions (5):

PreventionGenetics, part of Exact Sciences
Classification: Pathogenic for SCP2-related condition. Last evaluated: 2026-06-26. Review status: criteria provided, single submitter. Criteria: ACMG Guidelines, 2015. Collection method: clinical testing. Allele origin: germline.
Comment: The SCP2 c.825+1G>T variant is predicted to disrupt the GT donor site and interfere with normal splicing. This variant was reported in the homozygous state in an individual with adolescent onset dystonia (Table S2 - Zech et al. 2020. PubMed ID: 33098801). This variant is reported in 0.020% of alleles in individuals of European (Finnish) descent in gnomAD. Variants that disrupt the consensus splice donor site in SCP2 are expected to be pathogenic. This variant is interpreted as likely pathogenic.

Labcorp Genetics (formerly Invitae), Labcorp
Classification: Likely pathogenic. Last evaluated: 2026-01-19. Review status: criteria provided, single submitter. Criteria: Invitae Variant Classification Sherloc (09022015). Collection method: clinical testing. Allele origin: germline.
Comment: This sequence change affects a donor splice site in intron 9 of the SCP2 gene. It is expected to disrupt RNA splicing. Variants that disrupt the donor or acceptor splice site typically lead to a loss of protein function (PMID: 16199547), and loss-of-function variants in SCP2 are known to be pathogenic (PMID: 16685654, 26497993). This variant is present in population databases (rs144132787, gnomAD 0.03%). Disruption of this splice site has been observed in individual(s) with clinical features of SCP2-related conditions (PMID: 33098801, 35872528). ClinVar contains an entry for this variant (Variation ID: 488590). Algorithms developed to predict the effect of sequence changes on RNA splicing suggest that this variant may disrupt the consensus splice site. In summary, the currently available evidence indicates that the variant is pathogenic, but additional data are needed to prove that conclusively. Therefore, this variant has been classified as Likely Pathogenic.

Institute of Human Genetics Munich, TUM University Hospital
Classification: Likely pathogenic for Sterol carrier protein 2 deficiency. Last evaluated: 2017-09-08. Review status: criteria provided, single submitter. Criteria: Classification criteria August 2017. Collection method: clinical testing. Allele origin: germline. Inheritance: Autosomal recessive inheritance. Affected: yes. Observed: 1 homozygote.

Dr. Peter K. Rogan Lab, Western University
No classification provided (evidence only). Condition: Hepatocellular carcinoma. Review status: no classification provided. Collection method: in vitro. Allele origin: not applicable. Functional consequence: skipped exon. Not counted in ClinVar's aggregate classification.

Dr. Peter K. Rogan Lab, Western University
No classification provided (evidence only). Condition: Ovarian cancer. Review status: no classification provided. Collection method: in vitro. Allele origin: not applicable. Functional consequence: skipped exon. Not counted in ClinVar's aggregate classification.

Literature cited by the submitters: PubMed 16199547 (cited by Labcorp Genetics (formerly Invitae), Labcorp); PubMed 16685654 (cited by Labcorp Genetics (formerly Invitae), Labcorp); PubMed 26497993 (cited by Labcorp Genetics (formerly Invitae), Labcorp); PubMed 33098801 (cited by Labcorp Genetics (formerly Invitae), Labcorp); PubMed 35872528 (cited by Labcorp Genetics (formerly Invitae), Labcorp).

NM_002979.5(SCP2):c.825+1G>T

Gene: SCP2 (sterol carrier protein 2; plus strand). Cytogenetic location: 1p32.3.
Variant type: single nucleotide variant.
Coding change: c.825+1G>T on transcript NM_002979.5 (MANE Select); the canonical splice donor site of the intron after coding-DNA position 825, G replaced by T.
Molecular consequence: splice donor variant.
Genome position (GRCh38, 1-based): chr1:52,978,368, G>T. VCF-style: chr1-52978368-G-T. GRCh37 (hg19) VCF-style: chr1-53444040-G-T.
Other names: c.825+1G>T (NM_002979.4, NM_001330587.2); c.693+1G>T (NM_001193600.2, NM_001007098.3); c.753+1G>T (NM_001193599.2); c.582+1G>T (NM_001193617.2).
Identifiers: ClinVar variation 488590 (VCV000488590.12), dbSNP rs144132787, ClinGen allele CA857229.
Genomic context (GRCh38, chr1:52,978,368, plus strand): 5'-GCACAAGAAATGATGACTGATTTGCCAAGCTCGTTTGAAGAAAAAAGCATTATTAAAATG[G>T]TATGTCTGAGATTCTATTTGTTATTTTTATTTTTAAGATGGAGTCTCATGATTCTTGTGA-3'